The following is an entry in ClinVar:

ClinVar aggregate classification (germline): Conflicting classifications of pathogenicity. Review status: criteria provided, conflicting classifications (1 of 4 stars). 2 submissions from 2 submitters: Pathogenic (1); Uncertain significance (1). Last evaluated 2025-06-05.

Conditions:
Hereditary cancer-predisposing syndrome. Also called: Neoplastic Syndromes, Hereditary; Tumor predisposition; Hereditary Cancer Syndrome; Hereditary neoplastic syndrome. Identifiers: Orphanet 140162, MedGen C0027672, MeSH D009386, MONDO:0015356.

Submissions (2):

Ambry Genetics
Classification: Uncertain significance for Hereditary cancer-predisposing syndrome. Last evaluated: 2025-06-05. Review status: criteria provided, single submitter. Criteria: Ambry Variant Classification Scheme 2023. Collection method: clinical testing. Allele origin: germline.
Comment: The p.Y1886* variant (also known as c.5658C>A), located in coding exon 41 of the POLE gene, results from a C to A substitution at nucleotide position 5658. This changes the amino acid from a tyrosine to a stop codon within coding exon 41. This alteration is expected to result in loss of function by premature protein truncation or nonsense-mediated mRNA decay. Although biallelic loss of function of POLE has been associated with autosomal recessive POLE deficiency, haploinsufficiency of POLE has not been established as a mechanism of disease for POLE-related polymerase proofreading-associated polyposis (PPAP) and POLE-related CMMRD-like syndrome. Based on the supporting evidence, this variant is expected to be causative of POLE deficiency when present along with a second pathogenic variant on the other allele; however, its clinical significance for PPAP and POLE-related CMMRD-like syndrome is unclear.

Labcorp Genetics (formerly Invitae), Labcorp
Classification: Pathogenic. Last evaluated: 2022-05-27. Review status: criteria provided, single submitter. Criteria: Invitae Variant Classification Sherloc (09022015). Collection method: clinical testing. Allele origin: germline.
Comment: For these reasons, this variant has been classified as Pathogenic. ClinVar contains an entry for this variant (Variation ID: 639068). This variant has not been reported in the literature in individuals affected with POLE-related conditions. This variant is not present in population databases (gnomAD no frequency). This sequence change creates a premature translational stop signal (p.Tyr1886*) in the POLE gene. It is expected to result in an absent or disrupted protein product. Loss-of-function variants in POLE are known to be pathogenic (PMID: 23230001, 25948378, 30503519).

Literature cited by the submitters: PubMed 23230001 (cited by Labcorp Genetics (formerly Invitae), Labcorp); PubMed 25948378 (cited by Labcorp Genetics (formerly Invitae), Labcorp); PubMed 30503519 (cited by Labcorp Genetics (formerly Invitae), Labcorp).

NM_006231.4(POLE):c.5658C>A (p.Tyr1886Ter)

Gene: POLE (DNA polymerase epsilon, catalytic subunit; minus strand). Cytogenetic location: 12q24.33.
Variant type: single nucleotide variant.
Coding change: c.5658C>A on transcript NM_006231.4 (MANE Select); coding-DNA position 5658, C replaced by A.
Protein change: p.Tyr1886Ter; replaces tyrosine 1886 with a stop codon.
Molecular consequence: nonsense.
Genome position (GRCh38, 1-based): chr12:132,638,034, G>T on the plus strand (C>A on the coding strand, the complement: POLE is on the minus strand). VCF-style: chr12-132638034-G-T. GRCh37 (hg19) VCF-style: chr12-133214620-G-T.
Other names: c.5658C>A (NM_006231.2); short protein forms Y1886*.
Identifiers: ClinVar variation 639068 (VCV000639068.9), dbSNP rs369346799, ClinGen allele CA387373956.